The following is an entry in ClinVar:

ClinVar aggregate classification (germline): Uncertain significance (1 of 4 stars; one submission).

gnomAD v4.1: 39 of 1,588,218 alleles (0.0025%); highest among the groups gnomAD compares: Admixed American, 0.055%; no homozygotes.

Submission:

Ambry Genetics
Classification: Uncertain significance. Last evaluated: 2026-04-11. Review status: criteria provided, single submitter. Criteria: Ambry Variant Classification Scheme 2023. Collection method: clinical testing. Allele origin: germline.
Comment: The c.241T>C (p.F81L) alteration is located in exon 4 (coding exon 4) of the ZNF708 gene. This alteration results from a T to C substitution at nucleotide position 241, causing the phenylalanine (F) at amino acid position 81 to be replaced by a leucine (L). Based on data from gnomAD, the C allele has an overall frequency of 0.012% (27/227712) total alleles studied. The highest observed frequency was 0.075% (4/5336) of Other alleles. Based on insufficient or conflicting evidence, the clinical significance of this alteration remains unclear.

NM_021269.3(ZNF708):c.241T>C (p.Phe81Leu)

Gene: ZNF708 (zinc finger protein 708; minus strand). Cytogenetic location: 19p12.
Variant type: single nucleotide variant.
Coding change: c.241T>C on transcript NM_021269.3 (MANE Select); coding-DNA position 241, T replaced by C.
Protein change: p.Phe81Leu; replaces phenylalanine 81 with leucine.
Molecular consequence: missense variant.
Genome position (GRCh38, 1-based): chr19:21,294,725, A>G on the plus strand (T>C on the coding strand, the complement: ZNF708 is on the minus strand). VCF-style: chr19-21294725-A-G. GRCh37 (hg19) VCF-style: chr19-21477527-A-G.
Other names: c.49T>C, p.Phe17Leu (NM_001297560.2, NM_001297561.2); short protein forms F17L, F81L.
Identifiers: ClinVar variation 4867055 (VCV004867055.1).